The following is an entry in ClinVar:

NM_005068.3(SIM1):c.126A>C (p.Ile42=)

Gene: SIM1 (SIM bHLH transcription factor 1; minus strand). Cytogenetic location: 6q16.3.
Variant type: single nucleotide variant.
Coding change: c.126A>C on transcript NM_005068.3 (MANE Select); coding-DNA position 126, A replaced by C.
Protein change: p.Ile42=; no amino-acid change (isoleucine 42 retained).
Molecular consequence: synonymous variant.
Genome position (GRCh38, 1-based): chr6:100,463,343, T>G on the plus strand (A>C on the coding strand, the complement: SIM1 is on the minus strand). VCF-style: chr6-100463343-T-G. GRCh37 (hg19) VCF-style: chr6-100911219-T-G.
Other names: c.126A>C, p.Ile42= (NM_001374769.1).
Identifiers: ClinVar variation 4990133 (VCV004990133.1).

ClinVar aggregate classification (germline): Likely benign (1 of 4 stars; one submission).

Conditions:
SIM1-related disorder. Also called: SIM1-related disorders; SIM1-related condition.

gnomAD v4.1: 2 of 1,614,050 alleles (0.00012%); highest among the groups gnomAD compares: Non-Finnish European, 0.000085%; no homozygotes.

Submission:

PreventionGenetics, part of Exact Sciences
Classification: Likely benign for SIM1-related condition. Last evaluated: 2025-06-23. Review status: criteria provided, single submitter. Criteria: ACMG Guidelines, 2015. Collection method: clinical testing. Allele origin: germline.
Comment: This variant is classified as likely benign based on ACMG/AMP sequence variant interpretation guidelines (Richards et al. 2015 PMID: 25741868, with internal and published modifications).